The following is an entry in ClinVar:

ClinVar aggregate classification (germline): Uncertain significance (1 of 4 stars; one submission).

Conditions:
Immunodeficiency 39 (IMD39). Identifiers: Orphanet 574918, MedGen C4225358, MONDO:0014597, OMIM 616345.

Submission:

Labcorp Genetics (formerly Invitae), Labcorp
Classification: Uncertain significance for Immunodeficiency 39. Last evaluated: 2025-08-09. Review status: criteria provided, single submitter. Criteria: Invitae Variant Classification Sherloc (09022015). Collection method: clinical testing. Allele origin: germline.
Comment: This sequence change replaces arginine, which is basic and polar, with histidine, which is basic and polar, at codon 480 of the IRF7 protein (p.Arg480His). This variant is present in population databases (rs762132411, gnomAD 0.01%). This variant has not been reported in the literature in individuals affected with IRF7-related conditions. ClinVar contains an entry for this variant (Variation ID: 3627948). Invitae Evidence Modeling of protein sequence and biophysical properties (such as structural, functional, and spatial information, amino acid conservation, physicochemical variation, residue mobility, and thermodynamic stability) indicates that this missense variant is not expected to disrupt IRF7 protein function with a negative predictive value of 80%. In summary, the available evidence is currently insufficient to determine the role of this variant in disease. Therefore, it has been classified as a Variant of Uncertain Significance.

NM_001572.5(IRF7):c.1400G>A (p.Arg467His)

Gene: IRF7 (interferon regulatory factor 7; minus strand). Cytogenetic location: 11p15.5.
Variant type: single nucleotide variant.
Coding change: c.1400G>A on transcript NM_001572.5 (MANE Select); coding-DNA position 1400, G replaced by A.
Protein change: p.Arg467His; replaces arginine 467 with histidine.
Molecular consequence: missense variant.
Genome position (GRCh38, 1-based): chr11:612,757, C>T on the plus strand (G>A on the coding strand, the complement: IRF7 is on the minus strand). VCF-style: chr11-612757-C-T. GRCh37 (hg19) VCF-style: chr11-612757-C-T.
Other names: c.1313G>A, p.Arg438His (NM_004029.4); c.1439G>A, p.Arg480His (NM_004031.4); short protein forms R438H, R467H, R480H.
Identifiers: ClinVar variation 3627948 (VCV003627948.2).
Genomic context (GRCh38, chr11:612,757, plus strand): 5'-CTGTTGGCGCTGGACAGGCAGAGGCTGAGGCTGCTGCTATCCAGGGAAGACACACCCTCA[C>T]GCTGCGTGCCCTCTAGGTGCACTCGGCACAGCCAGGGTTCCAGCTGCCAGGAGGGATCGG-3'
Protein context (NP_001563.2, residues 457-477): LCRVHLEGTQ[Arg467His]EGVSSLDSSS